The following is an entry in ClinVar:

ClinVar aggregate classification (germline): Pathogenic (1 of 4 stars; one submission).

Conditions:
Ehlers-Danlos syndrome, dermatosparaxis type. Also called: EDS VIIC; Dermatosparaxis; Ehlers-Danlos syndrome, type VII, autosomal recessive. Identifiers: Orphanet 1901, MedGen C2700425, MONDO:0009161, OMIM 225410.

Submission:

Myriad Genetics, Inc.
Classification: Pathogenic for Ehlers-Danlos syndrome, dermatosparaxis type. Last evaluated: 2024-05-14. Review status: criteria provided, single submitter. Criteria: Myriad Autosomal Dominant, Autosomal Recessive and X-Linked Classification Criteria (2023). Collection method: clinical testing. Allele origin: unknown.
Comment: NM_014244.4(ADAMTS2):c.92_93ins16(P32Vfs*39) is expected to be pathogenic in the context of Ehlers-Danlos syndrome, ADAMTS2-related. This variant is predicted to lead to an abnormal or absent protein product due to the creation of a premature termination codon in ADAMTS2, a gene where loss-of-function variants are known to be pathogenic. Please note: this variant was assessed in the context of healthy population screening.

NM_014244.5(ADAMTS2):c.92_93insTGTCTCTTATACACAT (p.Pro32fs)

Gene: ADAMTS2 (ADAM metallopeptidase with thrombospondin type 1 motif 2; minus strand). Cytogenetic location: 5q35.3.
Variant type: Insertion.
Coding change: c.92_93insTGTCTCTTATACACAT on transcript NM_014244.5 (MANE Select); coding-DNA positions 92 to 93, TGTCTCTTATACACAT inserted.
Protein change: p.Pro32fs; shifts the reading frame from proline 32.
Molecular consequence: frameshift variant.
Genome position: GRCh38 VCF-style: chr5-179345236-C-CATGTGTATAAGAGACA. GRCh37 (hg19) VCF-style: chr5-178772237-C-CATGTGTATAAGAGACA.
Other names: c.92_93insTGTCTCTTATACACAT, p.Pro32fs (NM_021599.4); short protein forms P32fs.
Identifiers: ClinVar variation 5010383 (VCV005010383.1).